The following is an entry in ClinVar:

NM_152416.4(NDUFAF6):c.51C>A (p.Ile17=)

Genes: NDUFAF6 (NADH:ubiquinone oxidoreductase complex assembly factor 6; plus strand), LOC113788297 (Sharpr-MPRA regulatory region 2014; plus strand). Cytogenetic location: 8q22.1.
Variant type: single nucleotide variant.
Coding change: c.51C>A on transcript NM_152416.4 (MANE Select); coding-DNA position 51, C replaced by A.
Protein change: p.Ile17=; no amino-acid change (isoleucine 17 retained).
Molecular consequence: synonymous variant. On other transcripts: 5 prime UTR variant (12), non-coding transcript variant (6), intron variant (7).
Genome position (GRCh38, 1-based): chr8:95,025,059, C>A. VCF-style: chr8-95025059-C-A. GRCh37 (hg19) VCF-style: chr8-96037287-C-A.
Other names: p.I17I:ATC>ATA; c.-230C>A (NM_001330582.2, NM_001354521.2); c.-183C>A (NM_001354517.2); c.-402C>A (NM_001354518.2); c.-398C>A (NM_001354519.2); c.-747C>A (NM_001354527.2); c.-718C>A (NM_001354528.2); c.-530C>A (NM_001354529.2); and 9 more.
Identifiers: ClinVar variation 136608 (VCV000136608.39), dbSNP rs113557846, ClinGen allele CA289783.

ClinVar aggregate classification (germline): Benign/Likely benign. Review status: criteria provided, multiple submitters, no conflicts (2 of 4 stars). 5 submissions from 5 submitters: Benign (2); Likely benign (2). 1 of the submissions does not count toward it. Last evaluated 2026-09-01.

Allele frequency attached by ClinVar (database versions not stated): 1000 Genomes Project 30x 0.00265; ExAC 0.00269; 1000 Genomes Project 0.00280; TOPMed 0.00388.
gnomAD v4.1: 924 of 1,429,688 alleles (0.065%); highest among the groups gnomAD compares: African/African-American, 1.2%; 4 homozygotes.

Submissions (5):

CeGaT Center for Human Genetics Tuebingen
Classification: Likely benign. Last evaluated: 2026-09-01. Review status: criteria provided, single submitter. Criteria: CeGaT Center For Human Genetics Tuebingen Variant Classification Criteria Version 2. Collection method: clinical testing. Allele origin: germline. Affected: yes. Observed: 3 variant alleles.
Comment: NDUFAF6: BP4, BP7, BS1

Labcorp Genetics (formerly Invitae), Labcorp
Classification: Benign. Last evaluated: 2026-01-26. Review status: criteria provided, single submitter. Criteria: Invitae Variant Classification Sherloc (09022015). Collection method: clinical testing. Allele origin: germline.

Blueprint Genetics
Classification: Likely benign. Last evaluated: 2024-07-15. Review status: criteria provided, single submitter. Criteria: ACMG Guidelines, 2015. Collection method: clinical testing. Allele origin: germline.

GeneDx
Classification: Benign. Last evaluated: 2012-04-03. Review status: criteria provided, single submitter. Criteria: GeneDx Variant Classification (06012015). Collection method: clinical testing. Allele origin: germline. Affected: yes.
Comment: This variant is considered likely benign or benign based on one or more of the following criteria: it is a conservative change, it occurs at a poorly conserved position in the protein, it is predicted to be benign by multiple in silico algorithms, and/or has population frequency not consistent with disease.

Mayo Clinic Laboratories, Mayo Clinic
Classification: Likely benign. Last evaluated: 2016-03-16. Review status: no assertion criteria provided. Collection method: clinical testing. Allele origin: unknown. Not counted in ClinVar's aggregate classification.